The following is an entry in ClinVar:

ClinVar aggregate classification (germline): Likely pathogenic (1 of 4 stars; one submission).

Conditions:
Dihydropteridine reductase deficiency (HPABH4C). Also called: DHPR DEFICIENCY; BH4-Deficient Hyperphenylalaninemia C; HYPERPHENYLALANINEMIA, TETRAHYDROBIOPTERIN-DEFICIENT, DUE TO DHPR DEFICIENCY; QDPR DEFICIENCY; QUINOID DIHYDROPTERIDINE REDUCTASE DEFICIENCY; Phenylketonuria II. Identifiers: Orphanet 226, Orphanet 238583, MedGen C0268465, MONDO:0009862, OMIM 261630.

Submission:

Women's Health and Genetics/Laboratory Corporation of America, LabCorp
Classification: Likely pathogenic for Dihydropteridine reductase deficiency. Last evaluated: 2022-08-31. Review status: criteria provided, single submitter. Criteria: LabCorp Variant Classification Summary - May 2015. Collection method: clinical testing. Allele origin: germline.
Comment: Variant summary: QDPR c.516delG (p.Ala175GlnfsX15) results in a premature termination codon, predicted to cause a truncation of the encoded protein or absence of the protein due to nonsense mediated decay, which are commonly known mechanisms for disease. Truncations downstream of this position have been reported in association with Dihydropteridine reductase deficiency in HGMD and have been classified as pathogenic in ClinVar. The variant was absent in 249496 control chromosomes. The available data on variant occurrences in the general population are insufficient to allow any conclusion about variant significance. To our knowledge, no occurrence of c.516delG in individuals affected with Dihydropteridine Reductase Deficiency and no experimental evidence demonstrating its impact on protein function have been reported. No clinical diagnostic laboratories have submitted clinical-significance assessments for this variant to ClinVar after 2014. Based on the evidence outlined above, the variant was classified as likely pathogenic.

NM_000320.3(QDPR):c.516del (p.Ala175fs)

Gene: QDPR (quinoid dihydropteridine reductase; minus strand). Cytogenetic location: 4p15.32.
Variant type: Deletion.
Coding change: c.516del on transcript NM_000320.3 (MANE Select); coding-DNA position 516, one base deleted (G; older notation c.516delG).
Protein change: p.Ala175fs; shifts the reading frame from alanine 175.
Molecular consequence: frameshift variant.
Genome position (GRCh38, 1-based): chr4:17,492,261, C deleted on the plus strand (G on the coding strand, the reverse complement: QDPR is on the minus strand). VCF-style (leftmost placement, unchanged base first): chr4-17492260-GC-G. GRCh37 (hg19) VCF-style: chr4-17493883-GC-G.
Other names: c.423del, p.Ala144fs (NM_001306140.2); short protein forms A144fs, A175fs.
Identifiers: ClinVar variation 1705247 (VCV001705247.1), dbSNP rs1444280419, ClinGen allele CA791226556.